The following is an entry in ClinVar:

ClinVar aggregate classification (germline): Pathogenic (1 of 4 stars; one submission).

Submission:

Labcorp Genetics (formerly Invitae), Labcorp
Classification: Pathogenic. Last evaluated: 2022-03-19. Review status: criteria provided, single submitter. Criteria: Invitae Variant Classification Sherloc (09022015). Collection method: clinical testing. Allele origin: germline.
Comment: A gross deletion of the genomic region encompassing the full coding sequence of the EMC1 gene has been identified. Loss-of-function variants in EMC1 are known to be pathogenic (PMID: 26572623, 26942288, 29271071). The boundaries of this event are unknown as they extend beyond the assayed region for this gene and therefore may encompass additional genes. For these reasons, this variant has been classified as Pathogenic. This variant has not been reported in the literature in individuals affected with EMC1-related conditions.

Literature cited by the submitters: PubMed 26572623; PubMed 26942288; PubMed 29271071.

NC_000001.10:g.(?_19545797)_(19578003_?)del

Gene: EMC1 (ER membrane protein complex subunit 1; minus strand). Cytogenetic location: 1p36.13.
Variant type: Deletion.
Identifiers: ClinVar variation 1458063 (VCV001458063.5).